The following is an entry in ClinVar:

NM_001943.5(DSG2):c.1109C>G (p.Pro370Arg)

Gene: DSG2 (desmoglein 2; plus strand). Cytogenetic location: 18q12.1.
Variant type: single nucleotide variant.
Coding change: c.1109C>G on transcript NM_001943.5 (MANE Select); coding-DNA position 1109, C replaced by G.
Protein change: p.Pro370Arg; replaces proline 370 with arginine.
Molecular consequence: missense variant.
Genome position (GRCh38, 1-based): chr18:31,531,081, C>G. VCF-style: chr18-31531081-C-G. GRCh37 (hg19) VCF-style: chr18-29111044-C-G.
Other names: c.1109C>G (LRG_397t1); short protein forms P370R.
Identifiers: ClinVar variation 466329 (VCV000466329.9), dbSNP rs1555627121, ClinGen allele CA402138552.

ClinVar aggregate classification (germline): Uncertain significance. Review status: criteria provided, multiple submitters, no conflicts (2 of 4 stars). 2 submissions from 2 submitters: Uncertain significance (2). Last evaluated 2025-03-23.

Conditions:
Arrhythmogenic right ventricular dysplasia 10. Also called: Arrhythmogenic right ventricular dysplasia/cardiomyopathy, type 10; Arrhythmogenic Right Ventricular Dysplasia/Cardiomyopathy10; ARRHYTHMOGENIC RIGHT VENTRICULAR DYSPLASIA, FAMILIAL, 10. Identifiers: MedGen C1857777, MONDO:0012434, OMIM 610193.
Cardiovascular phenotype. Identifiers: MedGen CN230736.

Allele frequency attached by ClinVar (database versions not stated): gnomAD 0.00001.
gnomAD v4.1: 1 of 1,613,952 alleles (0.000062%); highest among the groups gnomAD compares: Non-Finnish European, 0.000085%; no homozygotes.

Submissions (2):

Ambry Genetics
Classification: Uncertain significance for Cardiovascular phenotype. Last evaluated: 2025-03-23. Review status: criteria provided, single submitter. Criteria: Ambry Variant Classification Scheme 2023. Collection method: clinical testing. Allele origin: germline.
Comment: The p.P370R variant (also known as c.1109C>G), located in coding exon 9 of the DSG2 gene, results from a C to G substitution at nucleotide position 1109. The proline at codon 370 is replaced by arginine, an amino acid with dissimilar properties. This amino acid position is conserved. In addition, this alteration is predicted to be tolerated by in silico analysis. Based on the available evidence, the clinical significance of this variant remains unclear.

Labcorp Genetics (formerly Invitae), Labcorp
Classification: Uncertain significance for Arrhythmogenic right ventricular dysplasia 10. Last evaluated: 2017-04-14. Review status: criteria provided, single submitter. Criteria: Invitae Variant Classification Sherloc (09022015). Collection method: clinical testing. Allele origin: germline.
Comment: This variant is not present in population databases (ExAC no frequency) and has not been reported in the literature in individuals with a DSG2-related disease. Algorithms developed to predict the effect of missense changes on protein structure and function do not agree on the potential impact of this missense change (SIFT: "Tolerated"; PolyPhen-2: "Probably Damaging"; Align-GVGD: "Class C0"). In summary, this variant is a novel missense change with uncertain impact on protein function. It has been classified as a Variant of Uncertain Significance. This sequence change replaces proline with arginine at codon 370 of the DSG2 protein (p.Pro370Arg). The proline residue is weakly conserved and there is a moderate physicochemical difference between proline and arginine.